The following is an entry in ClinVar:

ClinVar aggregate classification (germline): Uncertain significance (1 of 4 stars; one submission).

Conditions:
Familial cancer of breast. Also called: hereditary breast carcinoma; Hereditary breast cancer; BREAST CANCER, FAMILIAL. Identifiers: Orphanet 227535, MedGen C0346153, MONDO:0016419, OMIM 114480. Disease mechanism: loss of function.

Submission:

Labcorp Genetics (formerly Invitae), Labcorp
Classification: Uncertain significance for Familial cancer of breast. Last evaluated: 2022-05-28. Review status: criteria provided, single submitter. Criteria: Invitae Variant Classification Sherloc (09022015). Collection method: clinical testing. Allele origin: germline.
Comment: This variant has not been reported in the literature in individuals affected with CHEK2-related conditions. Algorithms developed to predict the effect of missense changes on protein structure and function are either unavailable or do not agree on the potential impact of this missense change (SIFT: "Deleterious"; PolyPhen-2: "Probably Damaging"; Align-GVGD: "Class C0"). In summary, the available evidence is currently insufficient to determine the role of this variant in disease. Therefore, it has been classified as a Variant of Uncertain Significance. This variant is not present in population databases (gnomAD no frequency). This sequence change replaces proline, which is neutral and non-polar, with arginine, which is basic and polar, at codon 90 of the CHEK2 protein (p.Pro90Arg).

NM_007194.4(CHEK2):c.269C>G (p.Pro90Arg)

Gene: CHEK2 (checkpoint kinase 2; minus strand). Cytogenetic location: 22q12.1.
Variant type: single nucleotide variant.
Coding change: c.269C>G on transcript NM_007194.4 (MANE Select); coding-DNA position 269, C replaced by G.
Protein change: p.Pro90Arg; replaces proline 90 with arginine.
Molecular consequence: missense variant.
Genome position (GRCh38, 1-based): chr22:28,734,453, G>C on the plus strand (C>G on the coding strand, the complement: CHEK2 is on the minus strand). VCF-style: chr22-28734453-G-C. GRCh37 (hg19) VCF-style: chr22-29130441-G-C.
Other names: c.269C>G, p.Pro90Arg (NM_001005735.3, NM_001349956.3, NM_145862.3); c.-509C>G (NM_001257387.3); short protein forms P90R.
Identifiers: ClinVar variation 2000155 (VCV002000155.4), dbSNP rs758792132, ClinGen allele CA411090464.